The following is an entry in ClinVar:

ClinVar aggregate classification (germline): Uncertain significance (1 of 4 stars; one submission).

Conditions:
Nemaline myopathy 2 (NEM2). Also called: Nemaline myopathy 2, autosomal recessive. Identifiers: MedGen C1850569, MONDO:0009725, OMIM 256030.

Submission:

Labcorp Genetics (formerly Invitae), Labcorp
Classification: Uncertain significance for Nemaline myopathy 2. Last evaluated: 2021-12-13. Review status: criteria provided, single submitter. Criteria: Invitae Variant Classification Sherloc (09022015). Collection method: clinical testing. Allele origin: germline.
Comment: In summary, the available evidence is currently insufficient to determine the role of this variant in disease. Therefore, it has been classified as a Variant of Uncertain Significance. Algorithms developed to predict the effect of sequence changes on RNA splicing suggest that this variant may create or strengthen a splice site. This variant has not been reported in the literature in individuals affected with NEB-related conditions. This variant is not present in population databases (gnomAD no frequency). This sequence change falls in intron 57 of the NEB gene. It does not directly change the encoded amino acid sequence of the NEB protein.

NM_001164508.2(NEB):c.7957-13C>G

Gene: NEB (nebulin; minus strand). Cytogenetic location: 2q23.3.
Variant type: single nucleotide variant.
Coding change: c.7957-13C>G on transcript NM_001164508.2 (MANE Select); 13 bases into the intron before coding-DNA position 7957, C replaced by G.
Molecular consequence: intron variant.
Genome position (GRCh38, 1-based): chr2:151,643,366, G>C on the plus strand (C>G on the coding strand, the complement: NEB is on the minus strand). VCF-style: chr2-151643366-G-C. GRCh37 (hg19) VCF-style: chr2-152499880-G-C.
Other names: c.7957-13C>G (NM_004543.5, NM_001164507.2, NM_001271208.2).
Identifiers: ClinVar variation 2042118 (VCV002042118.4), dbSNP rs2552247028, ClinGen allele CA2580064016.